The following is an entry in ClinVar:

ClinVar aggregate classification (germline): Likely benign (0 of 4 stars; one submission).

Conditions:
PLXNA1-related disorder. Also called: PLXNA1-related condition.

gnomAD v4.1: 24 of 1,595,790 alleles (0.0015%); highest among the groups gnomAD compares: South Asian, 0.0023%; no homozygotes.

Submission:

PreventionGenetics, part of Exact Sciences
Classification: Likely benign for PLXNA1-related condition. Last evaluated: 2022-03-09. Review status: no assertion criteria provided. Collection method: clinical testing. Allele origin: germline.
Comment: This variant is classified as likely benign based on ACMG/AMP sequence variant interpretation guidelines (Richards et al. 2015 PMID: 25741868, with internal and published modifications).

NM_032242.4(PLXNA1):c.*1G>A

Gene: PLXNA1 (plexin A1; plus strand). Cytogenetic location: 3q21.3.
Variant type: single nucleotide variant.
Coding change: c.*1G>A on transcript NM_032242.4 (MANE Select); 1 bases downstream of the stop codon, G replaced by A.
Molecular consequence: 3 prime UTR variant.
Genome position (GRCh38, 1-based): chr3:127,034,018, G>A. VCF-style: chr3-127034018-G-A. GRCh37 (hg19) VCF-style: chr3-126752861-G-A.
Identifiers: ClinVar variation 3351343 (VCV003351343.1).